The following is an entry in ClinVar:

NM_001023.4(RPS20):c.158C>A (p.Pro53Gln)

Gene: RPS20 (ribosomal protein S20; minus strand). Cytogenetic location: 8q12.1.
Variant type: single nucleotide variant.
Coding change: c.158C>A on transcript NM_001023.4 (MANE Select); coding-DNA position 158, C replaced by A.
Protein change: p.Pro53Gln; replaces proline 53 with glutamine.
Molecular consequence: missense variant.
Genome position (GRCh38, 1-based): chr8:56,073,714, G>T on the plus strand (C>A on the coding strand, the complement: RPS20 is on the minus strand). VCF-style: chr8-56073714-G-T. GRCh37 (hg19) VCF-style: chr8-56986273-G-T.
Other names: c.158C>A, p.Pro53Gln (NM_001146227.3); c.158C>A (NM_001023.3); short protein forms P53Q.
Identifiers: ClinVar variation 1027064 (VCV001027064.10), dbSNP rs370331305, ClinGen allele CA4754367.
Genomic context (GRCh38, chr8:56,073,714, plus strand): 5'-CGGAAGCAACTCCTACTTCCTGCCCCTCCGATTTACTTTACCTTGGTAGGCATTCGAACT[G>T]GTCCTTTCACTTTGAGATTCTTTTCTTTTGCGCCTCTTATCAAGTCAGCACACACTACAG-3'
Protein context (NP_001014.1, residues 43-63): AKEKNLKVKG[Pro53Gln]VRMPTKTLRI

ClinVar aggregate classification (germline): Uncertain significance. Review status: criteria provided, multiple submitters, no conflicts (2 of 4 stars). 3 submissions from 3 submitters: Uncertain significance (3). Last evaluated 2026-06-23.

Conditions:
Hereditary nonpolyposis colon cancer (HNPCC). Also called: Hereditary nonpolyposis colorectal cancer; Familial nonpolyposis colon cancer; Hereditary Nonpolyposis Colorectal Cancer Syndrome. Identifiers: Orphanet 443909, MedGen C1333990, MONDO:0018630. Disease mechanism: loss of function.

Allele frequency attached by ClinVar (database versions not stated): ExAC 0.00001; gnomAD 0.00001; TOPMed 0.00006; ESP Exome Variant Server 0.00008; gnomAD exomes 0.00001.
gnomAD v4.1: 6 of 1,613,798 alleles (0.00037%); highest among the groups gnomAD compares: African/African-American, 0.008%; no homozygotes.

Submissions (3):

Ambry Genetics
Classification: Uncertain significance. Last evaluated: 2026-06-23. Review status: criteria provided, single submitter. Criteria: Ambry Variant Classification Scheme 2023. Collection method: clinical testing. Allele origin: germline.

Labcorp Genetics (formerly Invitae), Labcorp
Classification: Uncertain significance. Last evaluated: 2025-05-26. Review status: criteria provided, single submitter. Criteria: Invitae Variant Classification Sherloc (09022015). Collection method: clinical testing. Allele origin: germline.
Comment: This sequence change replaces proline, which is neutral and non-polar, with glutamine, which is neutral and polar, at codon 53 of the RPS20 protein (p.Pro53Gln). This variant is present in population databases (rs370331305, gnomAD 0.02%). This variant has not been reported in the literature in individuals affected with RPS20-related conditions. ClinVar contains an entry for this variant (Variation ID: 1027064). An algorithm developed to predict the effect of missense changes on protein structure and function (PolyPhen-2) suggests that this variant is likely to be disruptive. In summary, the available evidence is currently insufficient to determine the role of this variant in disease. Therefore, it has been classified as a Variant of Uncertain Significance.

Baylor Genetics
Classification: Uncertain significance for Hereditary Nonpolyposis Colorectal Cancer. Last evaluated: 2024-02-05. Review status: criteria provided, single submitter. Criteria: ACMG Guidelines, 2015. Collection method: clinical testing. Allele origin: unknown.